The following is an entry in ClinVar:

NM_000368.5(TSC1):c.922A>G (p.Thr308Ala)

Gene: TSC1 (TSC complex subunit 1; minus strand). Cytogenetic location: 9q34.13.
Variant type: single nucleotide variant.
Coding change: c.922A>G on transcript NM_000368.5 (MANE Select); coding-DNA position 922, A replaced by G.
Protein change: p.Thr308Ala; replaces threonine 308 with alanine.
Molecular consequence: missense variant.
Genome position (GRCh38, 1-based): chr9:132,911,560, T>C on the plus strand (A>G on the coding strand, the complement: TSC1 is on the minus strand). VCF-style: chr9-132911560-T-C. GRCh37 (hg19) VCF-style: chr9-135786947-T-C.
Other names: c.922A>G, p.Thr308Ala (NM_001162426.2); c.769A>G, p.Thr257Ala (NM_001162427.2); c.559A>G, p.Thr187Ala (NM_001362177.2); c.922A>G (NM_000368.4); short protein forms T187A, T257A, T308A.
Identifiers: ClinVar variation 1421617 (VCV001421617.7), dbSNP rs1845965349, ClinGen allele CA375368747.

ClinVar aggregate classification (germline): Uncertain significance. Review status: criteria provided, multiple submitters, no conflicts (2 of 4 stars). 2 submissions from 2 submitters: Uncertain significance (2). Last evaluated 2025-03-03.

Conditions:
Tuberous sclerosis 1 (TSC1). Identifiers: Orphanet 805, MedGen C1854465, MONDO:0008612, OMIM 191100.
Hereditary cancer-predisposing syndrome. Also called: Hereditary neoplastic syndrome; Tumor predisposition; Hereditary Cancer Syndrome; Neoplastic Syndromes, Hereditary. Identifiers: Orphanet 140162, MedGen C0027672, MeSH D009386, MONDO:0015356.

Submissions (2):

Ambry Genetics
Classification: Uncertain significance for Hereditary cancer-predisposing syndrome. Last evaluated: 2025-03-03. Review status: criteria provided, single submitter. Criteria: Ambry Variant Classification Scheme 2023. Collection method: clinical testing. Allele origin: germline.
Comment: The p.T308A variant (also known as c.922A>G), located in coding exon 8 of the TSC1 gene, results from an A to G substitution at nucleotide position 922. The threonine at codon 308 is replaced by alanine, an amino acid with similar properties. This amino acid position is well conserved in available vertebrate species. In addition, the in silico prediction for this alteration is inconclusive. Based on the available evidence, the clinical significance of this variant remains unclear.

Labcorp Genetics (formerly Invitae), Labcorp
Classification: Uncertain significance for Tuberous sclerosis 1. Last evaluated: 2023-04-06. Review status: criteria provided, single submitter. Criteria: Invitae Variant Classification Sherloc (09022015). Collection method: clinical testing. Allele origin: germline.
Comment: This sequence change replaces threonine, which is neutral and polar, with alanine, which is neutral and non-polar, at codon 308 of the TSC1 protein (p.Thr308Ala). This variant is not present in population databases (gnomAD no frequency). This variant has not been reported in the literature in individuals affected with TSC1-related conditions. ClinVar contains an entry for this variant (Variation ID: 1421617). Advanced modeling of protein sequence and biophysical properties (such as structural, functional, and spatial information, amino acid conservation, physicochemical variation, residue mobility, and thermodynamic stability) performed at Invitae indicates that this missense variant is not expected to disrupt TSC1 protein function. In summary, the available evidence is currently insufficient to determine the role of this variant in disease. Therefore, it has been classified as a Variant of Uncertain Significance.